The following is an entry in ClinVar:

ClinVar aggregate classification (germline): Uncertain significance. Review status: criteria provided, multiple submitters, no conflicts (2 of 4 stars). 6 submissions from 6 submitters: Uncertain significance (5). 1 of the submissions does not count toward it. Last evaluated 2025-11-12.

Conditions:
Cardiac arrhythmia. Also called: Arrhythmia; Cardiac rhythm disease. Identifiers: MedGen C0003811, MONDO:0007263, HP:0011675.
Cardiovascular phenotype. Identifiers: MedGen CN230736.
Long QT syndrome (LQTS). Identifiers: MedGen C0023976, MeSH D008133, MONDO:0002442. Disease mechanism: loss of function. Inheritance: Various modes of inheritance.
Long QT syndrome 2 (LQT2). Identifiers: Orphanet 101016, Orphanet 768, MedGen C3150943, MONDO:0013367, OMIM 613688.
Short QT syndrome type 1. Identifiers: Orphanet 51083, MedGen C1865020, MONDO:0012312, OMIM 609620.
SUDDEN INFANT DEATH SYNDROME (SIDS). Also called: Sudden Infant Death. Identifiers: MedGen C0038644, MeSH D013398, OMIM 272120.

Allele frequency attached by ClinVar (database versions not stated): ExAC below 0.00001; gnomAD 0.00001; gnomAD exomes 0.00001; TOPMed 0.00002.
gnomAD v4.1: 12 of 1,545,762 alleles (0.00078%); highest among the groups gnomAD compares: South Asian, 0.0012%; no homozygotes.

Submissions (6):

Labcorp Genetics (formerly Invitae), Labcorp
Classification: Uncertain significance for Long QT syndrome. Last evaluated: 2025-11-12. Review status: criteria provided, single submitter. Criteria: Invitae Variant Classification Sherloc (09022015). Collection method: clinical testing. Allele origin: germline.
Comment: This sequence change replaces serine, which is neutral and polar, with glycine, which is neutral and non-polar, at codon 1040 of the KCNH2 protein (p.Ser1040Gly). This variant is not present in population databases (gnomAD no frequency). This missense change has been observed in individual(s) with clinical features of long QT syndrome and/or sudden infant death syndrome (PMID: 17210839, 30369311). ClinVar contains an entry for this variant (Variation ID: 67472). An algorithm developed to predict the effect of missense changes on protein structure and function outputs the following: PolyPhen-2: "Benign". The glycine amino acid residue is found in multiple mammalian species, which suggests that this missense change does not adversely affect protein function. Experimental studies have shown that this missense change does not substantially affect KCNH2 function (PMID: 18222468). In summary, the available evidence is currently insufficient to determine the role of this variant in disease. Therefore, it has been classified as a Variant of Uncertain Significance.

All of Us Research Program, National Institutes of Health
Classification: Uncertain significance for Long QT syndrome. Last evaluated: 2024-08-06. Review status: criteria provided, single submitter. Criteria: ACMG Guidelines, 2015. Collection method: clinical testing. Allele origin: germline. Inheritance: Autosomal dominant inheritance. Observed: 2 variant alleles, 2 heterozygotes.
Comment: This missense variant replaces serine with glycine at codon 1040 of the KCNH2 protein. Computational prediction suggests that this variant may not impact protein structure and function (internally defined REVEL score threshold <= 0.5, PMID: 27666373). A functional study has shown that the mutant channel is biophysically similar to the wild-type channel (PMID: 18222468). This variant has been reported in an individual affected with sudden infant death syndrome (PMID: 17210839), and in a few individuals with QT prolongation (PMID: 30369311). This variant has not been identified in the general population by the Genome Aggregation Database (gnomAD). The available evidence is insufficient to determine the role of this variant in disease conclusively. Therefore, this variant is classified as a Variant of Uncertain Significance.

This study involves interpretation of variants in research participants for the purpose of population health screening. Participant phenotype was not available at the time of variant classification. Additional details can be found in publication PMID: 35346344, PMCID: PMC8962531

Color Diagnostics, LLC DBA Color Health
Classification: Uncertain significance for Cardiac arrhythmia. Last evaluated: 2024-05-14. Review status: criteria provided, single submitter. Criteria: ACMG Guidelines, 2015. Collection method: clinical testing. Allele origin: germline.
Comment: This missense variant replaces serine with glycine at codon 1040 of the KCNH2 protein. Computational prediction suggests that this variant may not impact protein structure and function (internally defined REVEL score threshold <= 0.5, PMID: 27666373). A functional study has shown that the mutant channel is biophysically similar to the wild-type channel (PMID: 18222468). This variant has been reported in an individual affected with sudden infant death syndrome (PMID: 17210839), and in a few individuals with QT prolongation (PMID: 30369311). This variant has not been identified in the general population by the Genome Aggregation Database (gnomAD). The available evidence is insufficient to determine the role of this variant in disease conclusively. Therefore, this variant is classified as a Variant of Uncertain Significance.

Fulgent Genetics
Classification: Uncertain significance for Short QT syndrome type 1; Long QT syndrome 2. Last evaluated: 2021-07-28. Review status: criteria provided, single submitter. Criteria: ACMG Guidelines, 2015. Collection method: clinical testing. Allele origin: unknown.

Ambry Genetics
Classification: Uncertain significance for Cardiovascular phenotype. Last evaluated: 2021-02-19. Review status: criteria provided, single submitter. Criteria: Ambry Variant Classification Scheme 2023. Collection method: clinical testing. Allele origin: germline.

Cardiovascular Biomedical Research Unit, Royal Brompton & Harefield NHS Foundation Trust
No classification provided. Condition: SUDDEN INFANT DEATH SYNDROME. Review status: no classification provided. Collection method: literature only. Allele origin: germline. Not counted in ClinVar's aggregate classification.
Comment: This variant has been reported as associated with Sudden infant death syndrome in the following publications (PMID:17210839). This is a literature report, and does not necessarily reflect the clinical interpretation of the Imperial College / Royal Brompton Cardiovascular Genetics laboratory.

Literature cited by the submitters: PubMed 17210839 (cited by 4 submitters); PubMed 30369311 (cited by 3 submitters); PubMed 18222468 (cited by 3 submitters); PubMed 22581653 (cited by Cardiovascular Biomedical Research Unit, Royal Brompton & Harefield NHS Foundation Trust).

NM_000238.4(KCNH2):c.3118A>G (p.Ser1040Gly)

Gene: KCNH2 (potassium voltage-gated channel subfamily H member 2; minus strand). Cytogenetic location: 7q36.1.
Variant type: single nucleotide variant.
Coding change: c.3118A>G on transcript NM_000238.4 (MANE Select); coding-DNA position 3118, A replaced by G.
Protein change: p.Ser1040Gly; replaces serine 1040 with glycine.
Molecular consequence: missense variant.
Genome position (GRCh38, 1-based): chr7:150,947,362, T>C on the plus strand (A>G on the coding strand, the complement: KCNH2 is on the minus strand). VCF-style: chr7-150947362-T-C. GRCh37 (hg19) VCF-style: chr7-150644450-T-C.
Other names: c.2098A>G, p.Ser700Gly (NM_172057.3); c.3118A>G (LRG_288t1); short protein forms S1040G, S700G.
Identifiers: ClinVar variation 67472 (VCV000067472.17), dbSNP rs199473024, ClinGen allele CA008000.